The following is an entry in ClinVar:

ClinVar aggregate classification (germline): Uncertain significance. Review status: criteria provided, multiple submitters, no conflicts (2 of 4 stars). 2 submissions from 2 submitters: Uncertain significance (2). Last evaluated 2023-04-07.

Conditions:
Hereditary cancer-predisposing syndrome. Also called: Tumor predisposition; Hereditary Cancer Syndrome; Neoplastic Syndromes, Hereditary; Hereditary neoplastic syndrome. Identifiers: Orphanet 140162, MedGen C0027672, MeSH D009386, MONDO:0015356.
Familial cancer of breast. Also called: BREAST CANCER, FAMILIAL; Hereditary breast cancer; hereditary breast carcinoma. Identifiers: Orphanet 227535, MedGen C0346153, MONDO:0016419, OMIM 114480. Disease mechanism: loss of function.

Submissions (2):

Ambry Genetics
Classification: Uncertain significance for Hereditary cancer-predisposing syndrome. Last evaluated: 2023-04-07. Review status: criteria provided, single submitter. Criteria: Ambry Variant Classification Scheme 2023. Collection method: clinical testing. Allele origin: germline.
Comment: The p.Q370K variant (also known as c.1108C>A), located in coding exon 4 of the PALB2 gene, results from a C to A substitution at nucleotide position 1108. The glutamine at codon 370 is replaced by lysine, an amino acid with similar properties. This amino acid position is not well conserved in available vertebrate species. In addition, this alteration is predicted to be tolerated by in silico analysis. Since supporting evidence is limited at this time, the clinical significance of this alteration remains unclear.

Labcorp Genetics (formerly Invitae), Labcorp
Classification: Uncertain significance for Familial cancer of breast. Last evaluated: 2022-10-10. Review status: criteria provided, single submitter. Criteria: Invitae Variant Classification Sherloc (09022015). Collection method: clinical testing. Allele origin: germline.
Comment: This sequence change replaces glutamine, which is neutral and polar, with lysine, which is basic and polar, at codon 370 of the PALB2 protein (p.Gln370Lys). This variant is not present in population databases (gnomAD no frequency). This variant has not been reported in the literature in individuals affected with PALB2-related conditions. ClinVar contains an entry for this variant (Variation ID: 822189). Advanced modeling of protein sequence and biophysical properties (such as structural, functional, and spatial information, amino acid conservation, physicochemical variation, residue mobility, and thermodynamic stability) performed at Invitae indicates that this missense variant is not expected to disrupt PALB2 protein function. In summary, the available evidence is currently insufficient to determine the role of this variant in disease. Therefore, it has been classified as a Variant of Uncertain Significance.

NM_024675.4(PALB2):c.1108C>A (p.Gln370Lys)

Gene: PALB2 (partner and localizer of BRCA2; minus strand). Cytogenetic location: 16p12.2.
Variant type: single nucleotide variant.
Coding change: c.1108C>A on transcript NM_024675.4 (MANE Select); coding-DNA position 1108, C replaced by A.
Protein change: p.Gln370Lys; replaces glutamine 370 with lysine.
Molecular consequence: missense variant.
Genome position (GRCh38, 1-based): chr16:23,635,438, G>T on the plus strand (C>A on the coding strand, the complement: PALB2 is on the minus strand). VCF-style: chr16-23635438-G-T. GRCh37 (hg19) VCF-style: chr16-23646759-G-T.
Other names: short protein forms Q370K.
Identifiers: ClinVar variation 822189 (VCV000822189.13), dbSNP rs587776411, ClinGen allele CA395133807.